The following is an entry in ClinVar:

ClinVar aggregate classification (germline): Likely benign. Review status: criteria provided, multiple submitters, no conflicts (2 of 4 stars). 4 submissions from 4 submitters: Likely benign (4). Last evaluated 2024-05-16.

Conditions:
Cardiovascular phenotype. Identifiers: MedGen CN230736.
Dilated cardiomyopathy 1DD (CMD1DD). Identifiers: Orphanet 154, MedGen C2750995, MONDO:0013168, OMIM 613172.

Allele frequency attached by ClinVar (database versions not stated): gnomAD below 0.00001 and 0.00001; TOPMed 0.00001; gnomAD exomes 0.00002.
gnomAD v4.1: 19 of 1,551,162 alleles (0.0012%); highest among the groups gnomAD compares: South Asian, 0.0071%; no homozygotes.

Submissions (4):

Blueprint Genetics
Classification: Likely benign. Last evaluated: 2024-05-16. Review status: criteria provided, single submitter. Criteria: ACMG Guidelines, 2015. Collection method: clinical testing. Allele origin: germline.

Labcorp Genetics (formerly Invitae), Labcorp
Classification: Likely benign for Dilated cardiomyopathy 1DD. Last evaluated: 2023-11-01. Review status: criteria provided, single submitter. Criteria: Invitae Variant Classification Sherloc (09022015). Collection method: clinical testing. Allele origin: germline.

Ambry Genetics
Classification: Likely benign for Cardiovascular phenotype. Last evaluated: 2019-05-17. Review status: criteria provided, single submitter. Criteria: Ambry Variant Classification Scheme 2023. Collection method: clinical testing. Allele origin: germline.

GeneDx
Classification: Likely benign. Last evaluated: 2017-04-10. Review status: criteria provided, single submitter. Criteria: GeneDx Variant Classification (06012015). Collection method: clinical testing. Allele origin: germline. Affected: yes.
Comment: This variant is considered likely benign or benign based on one or more of the following criteria: it is a conservative change, it occurs at a poorly conserved position in the protein, it is predicted to be benign by multiple in silico algorithms, and/or has population frequency not consistent with disease.

NM_001134363.3(RBM20):c.2988C>T (p.Asp996=)

Gene: RBM20 (RNA binding motif protein 20; plus strand). Cytogenetic location: 10q25.2.
Variant type: single nucleotide variant.
Coding change: c.2988C>T on transcript NM_001134363.3 (MANE Select); coding-DNA position 2988, C replaced by T.
Protein change: p.Asp996=; no amino-acid change (aspartic acid 996 retained).
Molecular consequence: synonymous variant.
Genome position (GRCh38, 1-based): chr10:110,821,607, C>T. VCF-style: chr10-110821607-C-T. GRCh37 (hg19) VCF-style: chr10-112581365-C-T.
Other names: c.2988C>T (LRG_382t1).
Identifiers: ClinVar variation 508777 (VCV000508777.8), dbSNP rs1249673177, ClinGen allele CA471507687.